The following is an entry in ClinVar:

ClinVar aggregate classification (germline): Benign (1 of 4 stars; one submission).

Allele frequency attached by ClinVar (database versions not stated): TOPMed 0.19797; 1000 Genomes Project 30x 0.29638; 1000 Genomes Project 0.30631.
gnomAD v4.1: 29,949 of 151,462 alleles (20%); highest among the groups gnomAD compares: East Asian, 57%; 3,636 homozygotes.

Submission:

GeneDx
Classification: Benign. Last evaluated: 2018-06-18. Review status: criteria provided, single submitter. Criteria: GeneDx Variant Classification (06012015). Collection method: clinical testing. Allele origin: germline. Affected: yes.
Comment: This variant is considered likely benign or benign based on one or more of the following criteria: it is a conservative change, it occurs at a poorly conserved position in the protein, it is predicted to be benign by multiple in silico algorithms, and/or has population frequency not consistent with disease.

NM_001005242.3(PKP2):c.2167+183C>G

Gene: PKP2 (plakophilin 2; minus strand). Cytogenetic location: 12p11.21.
Variant type: single nucleotide variant.
Coding change: c.2167+183C>G on transcript NM_001005242.3 (MANE Select); 183 bases into the intron after coding-DNA position 2167, C replaced by G.
Molecular consequence: intron variant.
Genome position (GRCh38, 1-based): chr12:32,802,220, G>C on the plus strand (C>G on the coding strand, the complement: PKP2 is on the minus strand). VCF-style: chr12-32802220-G-C. GRCh37 (hg19) VCF-style: chr12-32955154-G-C.
Other names: c.2299+183C>G (NM_004572.4).
Identifiers: ClinVar variation 672402 (VCV000672402.1), dbSNP rs73301724, ClinGen allele CA13735191.